The following is an entry in ClinVar:

NM_000059.4(BRCA2):c.2768A>G (p.Lys923Arg)

Gene: BRCA2 (BRCA2 DNA repair associated; plus strand). Cytogenetic location: 13q13.1.
Variant type: single nucleotide variant.
Coding change: c.2768A>G on transcript NM_000059.4 (MANE Select); coding-DNA position 2768, A replaced by G.
Protein change: p.Lys923Arg; replaces lysine 923 with arginine.
Molecular consequence: missense variant.
Genome position (GRCh38, 1-based): chr13:32,337,123, A>G. VCF-style: chr13-32337123-A-G. GRCh37 (hg19) VCF-style: chr13-32911260-A-G.
Other names: short protein forms K923R.
Identifiers: ClinVar variation 936658 (VCV000936658.12), dbSNP rs2072464367, ClinGen allele CA387773678.
Genomic context (GRCh38, chr13:32,337,123, plus strand): 5'-TAGGAAATACTAAGGAACTTCATGAAACAGACTTGACTTGTGTAAACGAACCCATTTTCA[A>G]GAACTCTACCATGGTTTTATATGGAGACACAGGTGATAAACAAGCAACCCAAGTGTCAAT-3'
Protein context (NP_000050.3, residues 913-933): DLTCVNEPIF[Lys923Arg]NSTMVLYGDT

ClinVar aggregate classification (germline): Conflicting classifications of pathogenicity. Review status: criteria provided, conflicting classifications (1 of 4 stars). 3 submissions from 3 submitters: Uncertain significance (1); Likely benign (2). Last evaluated 2024-01-25.

Conditions:
Hereditary breast ovarian cancer syndrome. Also called: Hereditary breast and ovarian cancer; Hereditary breast and ovarian cancer syndrome (HBOC); BRCA1- and BRCA2-Associated Hereditary Breast and Ovarian Cancer; Breast and ovarian cancer; Hereditary breast and ovarian cancer syndrome; Hereditary breast and/or ovarian cancer syndrome. Identifiers: Orphanet 145, MedGen C0677776, MeSH D061325, MONDO:0003582. Disease mechanism: loss of function.
Breast-ovarian cancer, familial, susceptibility to, 2 (BROVCA2). Also called: BRCA2 Hereditary Breast and Ovarian Cancer. Identifiers: Orphanet 145, MedGen C2675520, MONDO:0012933, OMIM 612555. Disease mechanism: loss of function.
Hereditary cancer-predisposing syndrome. Also called: Tumor predisposition; Hereditary neoplastic syndrome; Neoplastic Syndromes, Hereditary; Hereditary Cancer Syndrome. Identifiers: Orphanet 140162, MedGen C0027672, MeSH D009386, MONDO:0015356.

Submissions (3):

Molecular Pathology, Peter Maccallum Cancer Centre
Classification: Likely benign for Breast-ovarian cancer, familial, susceptibility to, 2. Last evaluated: 2024-01-25. Review status: criteria provided, single submitter. Criteria: ACMG Guidelines, 2015. Collection method: clinical testing. Allele origin: germline. Inheritance: Autosomal dominant inheritance.

University of Washington Department of Laboratory Medicine, University of Washington
Classification: Likely benign for Hereditary cancer-predisposing syndrome. Last evaluated: 2023-03-23. Review status: criteria provided, single submitter. Criteria: Dines et al. (Genet Med. 2020). Collection method: curation. Allele origin: germline.
Comment: Missense variant in a coldspot region where missense variants are very unlikely to be pathogenic (PMID:31911673).

BRCA2 exon 11 coldspot. Reclassification based on statistical prior probability.

Labcorp Genetics (formerly Invitae), Labcorp
Classification: Uncertain significance for Hereditary breast ovarian cancer syndrome. Last evaluated: 2019-10-09. Review status: criteria provided, single submitter. Criteria: Invitae Variant Classification Sherloc (09022015). Collection method: clinical testing. Allele origin: germline.
Comment: Algorithms developed to predict the effect of missense changes on protein structure and function (SIFT, PolyPhen-2, Align-GVGD) all suggest that this variant is likely to be tolerated, but these predictions have not been confirmed by published functional studies and their clinical significance is uncertain. This sequence change replaces lysine with arginine at codon 923 of the BRCA2 protein (p.Lys923Arg). The lysine residue is moderately conserved and there is a small physicochemical difference between lysine and arginine. This variant is not present in population databases (ExAC no frequency). This variant has not been reported in the literature in individuals with BRCA2-related conditions. Algorithms developed to predict the effect of sequence changes on RNA splicing suggest that this variant may create or strengthen a splice site, but this prediction has not been confirmed by published transcriptional studies. In summary, the available evidence is currently insufficient to determine the role of this variant in disease. Therefore, it has been classified as a Variant of Uncertain Significance.